The following is an entry in ClinVar:

NM_001982.4(ERBB3):c.2442G>A (p.Trp814Ter)

Gene: ERBB3 (erb-b2 receptor tyrosine kinase 3; plus strand). Cytogenetic location: 12q13.2.
Variant type: single nucleotide variant.
Coding change: c.2442G>A on transcript NM_001982.4 (MANE Select); coding-DNA position 2442, G replaced by A.
Protein change: p.Trp814Ter; replaces tryptophan 814 with a stop codon.
Molecular consequence: nonsense.
Genome position (GRCh38, 1-based): chr12:56,097,212, G>A. VCF-style: chr12-56097212-G-A. GRCh37 (hg19) VCF-style: chr12-56490996-G-A.
Other names: short protein forms W814*.
Identifiers: ClinVar variation 4845779 (VCV004845779.1).

ClinVar aggregate classification (germline): Likely pathogenic (1 of 4 stars; one submission).

Conditions:
Lethal congenital contracture syndrome 2 (LCCS2). Also called: Lethal congenital contractural syndrome 2; MULTIPLE CONTRACTURE SYNDROME, ISRAELI BEDOUIN TYPE A. Identifiers: Orphanet 137776, MedGen C1843478, MONDO:0011868, OMIM 607598.
Visceral neuropathy, familial, 1, autosomal recessive (VSCN1). Identifiers: Orphanet 99811, MedGen C1855733, MONDO:8000011, OMIM 243180.

Submission:

First Genomix Gene Laboratory, Genetic Diagnostics Department
Classification: Likely pathogenic for Lethal congenital contracture syndrome 2; Visceral neuropathy, familial, 1, autosomal recessive. Last evaluated: 2025-04-08. Review status: criteria provided, single submitter. Criteria: ACMG Guidelines, 2015. Collection method: clinical testing. Allele origin: germline. Inheritance: Autosomal recessive inheritance. Affected: no. Observed: 1 variant allele.